The following is an entry in ClinVar:

ClinVar aggregate classification (germline): Uncertain significance (1 of 4 stars; one submission).

Submission:

Ambry Genetics
Classification: Uncertain significance. Last evaluated: 2026-07-03. Review status: criteria provided, single submitter. Criteria: Ambry Variant Classification Scheme 2023. Collection method: clinical testing. Allele origin: germline.
Comment: The c.1534T>A (p.L512M) alteration is located in exon 13 (coding exon 13) of the NOMO2 gene. This alteration results from a T to A substitution at nucleotide position 1534, causing the leucine (L) at amino acid position 512 to be replaced by a methionine (M). Based on data from gnomAD, the A allele has an overall frequency of 0.003% (1/31270) total alleles studied. The highest observed frequency was <0.001% (/) of alleles. Based on insufficient or conflicting evidence, the clinical significance of this alteration remains unclear.

NM_173614.4(NOMO2):c.1534T>A (p.Leu512Met)

Gene: NOMO2 (NODAL modulator 2; minus strand). Cytogenetic location: 16p12.3.
Variant type: single nucleotide variant.
Coding change: c.1534T>A on transcript NM_173614.4 (MANE Select); coding-DNA position 1534, T replaced by A.
Protein change: p.Leu512Met; replaces leucine 512 with methionine.
Molecular consequence: missense variant.
Genome position (GRCh38, 1-based): chr16:18,531,469, A>T on the plus strand (T>A on the coding strand, the complement: NOMO2 is on the minus strand). VCF-style: chr16-18531469-A-T. GRCh37 (hg19) VCF-style: chr16-18542791-A-T.
Other names: c.1534T>A, p.Leu512Met (NM_001004060.2); short protein forms L512M.
Identifiers: ClinVar variation 5025781 (VCV005025781.1).